The following is an entry in ClinVar:

ClinVar aggregate classification (germline): Uncertain significance (1 of 4 stars; one submission).

Conditions:
Hereditary spastic paraplegia 48. Also called: SPASTIC PARAPLEGIA 48, AUTOSOMAL RECESSIVE; Spastic paraplegia 48. Identifiers: Orphanet 306511, MedGen C3150901, MONDO:0013342, OMIM 613647.

gnomAD v4.1: 2 of 1,555,724 alleles (0.00013%); highest among the groups gnomAD compares: Non-Finnish European, 0.000087%; no homozygotes.

Submission:

Labcorp Genetics (formerly Invitae), Labcorp
Classification: Uncertain significance for Hereditary spastic paraplegia 48. Last evaluated: 2023-01-22. Review status: criteria provided, single submitter. Criteria: Invitae Variant Classification Sherloc (09022015). Collection method: clinical testing. Allele origin: germline.
Comment: In summary, the available evidence is currently insufficient to determine the role of this variant in disease. Therefore, it has been classified as a Variant of Uncertain Significance. Advanced modeling of protein sequence and biophysical properties (such as structural, functional, and spatial information, amino acid conservation, physicochemical variation, residue mobility, and thermodynamic stability) has been performed at Invitae for this missense variant, however the output from this modeling did not meet the statistical confidence thresholds required to predict the impact of this variant on AP5Z1 protein function. This variant has not been reported in the literature in individuals affected with AP5Z1-related conditions. This variant is not present in population databases (gnomAD no frequency). This sequence change replaces glutamic acid, which is acidic and polar, with glutamine, which is neutral and polar, at codon 492 of the AP5Z1 protein (p.Glu492Gln).

NM_014855.3(AP5Z1):c.1474G>C (p.Glu492Gln)

Gene: AP5Z1 (adaptor related protein complex 5 subunit zeta 1; plus strand). Cytogenetic location: 7p22.1.
Variant type: single nucleotide variant.
Coding change: c.1474G>C on transcript NM_014855.3 (MANE Select); coding-DNA position 1474, G replaced by C.
Protein change: p.Glu492Gln; replaces glutamic acid 492 with glutamine.
Molecular consequence: missense variant. On other transcripts: non-coding transcript variant (1).
Genome position (GRCh38, 1-based): chr7:4,788,173, G>C. VCF-style: chr7-4788173-G-C. GRCh37 (hg19) VCF-style: chr7-4827804-G-C.
Other names: c.1006G>C, p.Glu336Gln (NM_001364858.1); short protein forms E336Q, E492Q.
Identifiers: ClinVar variation 2831183 (VCV002831183.3), dbSNP rs757374186, ClinGen allele CA4137840.
Genomic context (GRCh38, chr7:4,788,173, plus strand): 5'-GGGCCGCATCCCAGCCTGGCCTTGGGCGTCTGTCCACGCAGGTCAGCACCGGCTGCATCC[G>C]AGAGGCCACTCTGGGACACCTCTCTCAGGGCCCCCAGCTGCCTGGAGGCCTTCCGGGACC-3'
Protein context (NP_055670.1, residues 482-502): LQLRSAPAAS[Glu492Gln]RPLWDTSLRA